The following is an entry in ClinVar:

NM_001351132.2(PEX5):c.1521_1527del (p.Val508fs)

Gene: PEX5 (peroxisomal biogenesis factor 5; plus strand). Cytogenetic location: 12p13.31.
Variant type: Deletion.
Coding change: c.1521_1527del on transcript NM_001351132.2 (MANE Select); coding-DNA positions 1521 to 1527, 7 bases deleted (CGTGGAC; older notation c.1521_1527delCGTGGAC).
Protein change: p.Val508fs; shifts the reading frame from valine 508.
Molecular consequence: frameshift variant.
Genome position (GRCh38, 1-based): chr12:7,209,131-7,209,137, CGTGGAC deleted; deleting any 7 consecutive bases within chr12:7,209,130-7,209,137 gives the same sequence; the c. name uses the placement nearest the transcript's 3' end. VCF-style (leftmost placement, unchanged base first): chr12-7209129-GCCGTGGA-G. GRCh37 (hg19) VCF-style: chr12-7361725-GCCGTGGA-G.
Other names: c.1497_1503del, p.Val500fs (NM_000319.5); c.1566_1572del, p.Val523fs (NM_001131023.2); c.1410_1416del, p.Val471fs (NM_001131024.2, NM_001351124.3, NM_001351126.2 and 7 more transcripts); c.1521_1527del, p.Val508fs (NM_001131025.2, NM_001131026.2, NM_001300789.3 and 4 more transcripts); c.1455_1461del, p.Val486fs (NM_001351135.3, NM_001351138.2); c.1512_1518del, p.Val505fs (NM_001351136.2); c.1386_1392del, p.Val463fs (NM_001351139.2, NM_001351140.2, NM_001374649.2); short protein forms V463fs, V471fs, V486fs, V500fs, V505fs, V508fs, V523fs.
Identifiers: ClinVar variation 1070685 (VCV001070685.4), dbSNP rs1731078730, ClinGen allele CA2014448115.

ClinVar aggregate classification (germline): Pathogenic (1 of 4 stars; one submission).

Conditions:
Peroxisome biogenesis disorder 2B (PBD2B). Identifiers: Orphanet 44, MedGen C3550234, MONDO:0008736, OMIM 202370.

Submission:

Labcorp Genetics (formerly Invitae), Labcorp
Classification: Pathogenic for Peroxisome biogenesis disorder 2B. Last evaluated: 2021-08-03. Review status: criteria provided, single submitter. Criteria: Invitae Variant Classification Sherloc (09022015). Collection method: clinical testing. Allele origin: germline.
Comment: For these reasons, this variant has been classified as Pathogenic. Loss-of-function variants in PEX5 are known to be pathogenic (PMID: 18712838, 21031596). This variant has not been reported in the literature in individuals with PEX5-related conditions. This variant is not present in population databases (ExAC no frequency). This sequence change creates a premature translational stop signal (p.Val508Alafs*19) in the PEX5 gene. It is expected to result in an absent or disrupted protein product.

Literature cited by the submitters: PubMed 18712838; PubMed 21031596.